The following is an entry in ClinVar:

ClinVar aggregate classification (germline): Uncertain significance (1 of 4 stars; one submission).

Conditions:
Diamond-Blackfan anemia. Also called: Blackfan Diamond syndrome; Aregenerative anemia chronic congenital; Red cell aplasia, pure hereditary; Congenital hypoplastic anemia; Aase syndrome. Identifiers: Orphanet 124, MedGen C1260899, MeSH D029503, MONDO:0015253, HP:0004810.

Submission:

Labcorp Genetics (formerly Invitae), Labcorp
Classification: Uncertain significance for Diamond-Blackfan anemia. Last evaluated: 2024-08-12. Review status: criteria provided, single submitter. Criteria: Invitae Variant Classification Sherloc (09022015). Collection method: clinical testing. Allele origin: germline.
Comment: This sequence change replaces lysine, which is basic and polar, with asparagine, which is neutral and polar, at codon 24 of the RPS19 protein (p.Lys24Asn). This variant is not present in population databases (gnomAD no frequency). This variant has not been reported in the literature in individuals affected with RPS19-related conditions. An algorithm developed to predict the effect of missense changes on protein structure and function (PolyPhen-2) suggests that this variant is likely to be tolerated. In summary, the available evidence is currently insufficient to determine the role of this variant in disease. Therefore, it has been classified as a Variant of Uncertain Significance.

NM_001022.4(RPS19):c.72G>T (p.Lys24Asn)

Genes: RPS19 (ribosomal protein S19; plus strand), RPS19-CD79A (RPS19-CD79A readthrough; plus strand). Cytogenetic location: 19q13.2.
Variant type: single nucleotide variant.
Coding change: c.72G>T on transcript NM_001022.4 (MANE Select); coding-DNA position 72, G replaced by T.
Protein change: p.Lys24Asn; replaces lysine 24 with asparagine.
Molecular consequence: missense variant.
Genome position (GRCh38, 1-based): chr19:41,861,112, G>T. VCF-style: chr19-41861112-G-T. GRCh37 (hg19) VCF-style: chr19-42365181-G-T.
Other names: c.72G>T, p.Lys24Asn (NM_001321483.2, NM_001321484.2, NM_001321485.2); short protein forms K24N.
Identifiers: ClinVar variation 3662144 (VCV003662144.2).